The following is an entry in ClinVar:

NM_001201427.2(DAAM2):c.2983-21T>G

Gene: DAAM2 (dishevelled associated activator of morphogenesis 2; plus strand). Cytogenetic location: 6p21.2.
Variant type: single nucleotide variant.
Coding change: c.2983-21T>G on transcript NM_001201427.2 (MANE Select); 21 bases into the intron before coding-DNA position 2983, T replaced by G.
Molecular consequence: intron variant.
Genome position (GRCh38, 1-based): chr6:39,901,792, T>G. VCF-style: chr6-39901792-T-G. GRCh37 (hg19) VCF-style: chr6-39869568-T-G.
Other names: NC_000006.11:g.39869568T>G; c.2980-21T>G (NM_015345.4).
Identifiers: ClinVar variation 4083749 (VCV004083749.9).

ClinVar aggregate classification (germline): Likely benign (1 of 4 stars; one submission).

gnomAD v4.1: 3,479 of 1,510,006 alleles (0.23%); highest among the groups gnomAD compares: Non-Finnish European, 0.27%; 16 homozygotes.

Submissions (11):

CeGaT Center for Human Genetics Tuebingen
Classification: Likely benign. Last evaluated: 2025-06-01. Review status: criteria provided, single submitter. Criteria: CeGaT Center For Human Genetics Tuebingen Variant Classification Criteria Version 2. Collection method: clinical testing. Allele origin: germline. Affected: yes. Observed: 1 variant allele.
Comment: DAAM2: BS2

Dr. Peter K. Rogan Lab, Western University
No classification provided (evidence only). Condition: Familial cancer of breast. Review status: no classification provided. Collection method: in vitro. Allele origin: not applicable. Functional consequence: retained intron. Not counted in ClinVar's aggregate classification.

Dr. Peter K. Rogan Lab, Western University
No classification provided (evidence only). Condition: Familial cancer of breast. Review status: no classification provided. Collection method: in vitro. Allele origin: not applicable. Functional consequence: retained intron. Not counted in ClinVar's aggregate classification.

Dr. Peter K. Rogan Lab, Western University
No classification provided (evidence only). Condition: Familial cancer of breast. Review status: no classification provided. Collection method: in vitro. Allele origin: not applicable. Functional consequence: retained intron. Not counted in ClinVar's aggregate classification.

Dr. Peter K. Rogan Lab, Western University
No classification provided (evidence only). Condition: Uterine corpus endometrial carcinoma. Review status: no classification provided. Collection method: in vitro. Allele origin: not applicable. Functional consequence: retained intron. Not counted in ClinVar's aggregate classification.

Dr. Peter K. Rogan Lab, Western University
No classification provided (evidence only). Condition: Cervical cancer. Review status: no classification provided. Collection method: in vitro. Allele origin: not applicable. Functional consequence: retained intron. Not counted in ClinVar's aggregate classification.

Dr. Peter K. Rogan Lab, Western University
No classification provided (evidence only). Condition: Gastric cancer. Review status: no classification provided. Collection method: in vitro. Allele origin: not applicable. Functional consequence: retained intron. Not counted in ClinVar's aggregate classification.

Dr. Peter K. Rogan Lab, Western University
No classification provided (evidence only). Condition: Gastric cancer. Review status: no classification provided. Collection method: in vitro. Allele origin: not applicable. Functional consequence: retained intron. Not counted in ClinVar's aggregate classification.

Dr. Peter K. Rogan Lab, Western University
No classification provided (evidence only). Condition: Gastric cancer. Review status: no classification provided. Collection method: in vitro. Allele origin: not applicable. Functional consequence: retained intron. Not counted in ClinVar's aggregate classification.

Dr. Peter K. Rogan Lab, Western University
No classification provided (evidence only). Condition: Nonpapillary renal cell carcinoma. Review status: no classification provided. Collection method: in vitro. Allele origin: not applicable. Functional consequence: retained intron. Not counted in ClinVar's aggregate classification.

Dr. Peter K. Rogan Lab, Western University
No classification provided (evidence only). Condition: Lymphoma. Review status: no classification provided. Collection method: in vitro. Allele origin: not applicable. Functional consequence: retained intron. Not counted in ClinVar's aggregate classification.